The following is an entry in ClinVar:

ClinVar aggregate classification (germline): Uncertain significance. Review status: criteria provided, multiple submitters, no conflicts (2 of 4 stars). 3 submissions from 3 submitters: Uncertain significance (2). 1 of the submissions does not count toward it. Last evaluated 2025-09-28.

Conditions:
Sanfilippo syndrome. Also called: Sanfilippo disease; Mucopolysaccharidosis Type III; Mucopolysaccharidosis type 3. Identifiers: Orphanet 581, MedGen C0026706, MONDO:0018937.
Inborn genetic diseases. Identifiers: MedGen C0950123, MeSH D030342.

Allele frequency attached by ClinVar (database versions not stated): TOPMed 0.00001; gnomAD 0.00004 and 0.00003.
gnomAD v4.1: 8 of 1,547,854 alleles (0.00052%); highest among the groups gnomAD compares: Admixed American, 0.0079%; no homozygotes.

Submissions (3):

Ambry Genetics
Classification: Uncertain significance for Inborn genetic diseases. Last evaluated: 2025-09-28. Review status: criteria provided, single submitter. Criteria: Ambry Variant Classification Scheme 2023. Collection method: clinical testing. Allele origin: germline.

GeneDx
Classification: Uncertain significance. Last evaluated: 2017-03-19. Review status: criteria provided, single submitter. Criteria: GeneDx Variant Classification (06012015). Collection method: clinical testing. Allele origin: germline. Affected: yes.
Comment: The L26P variant in the GNS gene has not been reported previously as a pathogenic variant, nor as a benign variant, to our knowledge. The L26P variant is not observed in large population cohorts (Lek et al., 2016; 1000 Genomes Consortium et al., 2015; Exome Variant Server). The L26P variant is a non-conservative amino acid substitution, which is likely to impact secondary protein structure as these residues differ in polarity, charge, size and/or other properties. The L26P variant is a semi-conservative amino acid substitution, which may impact secondary protein structure as these residues differ in some properties. This substitution occurs at a position that is not conserved. In silico analysis is inconsistent in its predictions as to whether or not the variant is damaging to the protein structure/function. We interpret L26P as a variant of uncertain significance.

Natera, Inc.
Classification: Uncertain significance for Sanfilippo disease. Last evaluated: 2020-11-17. Review status: no assertion criteria provided. Collection method: clinical testing. Allele origin: germline. Not counted in ClinVar's aggregate classification.

NM_002076.4(GNS):c.77T>C (p.Leu26Pro)

Gene: GNS (glucosamine (N-acetyl)-6-sulfatase; minus strand). Cytogenetic location: 12q14.3.
Variant type: single nucleotide variant.
Coding change: c.77T>C on transcript NM_002076.4 (MANE Select); coding-DNA position 77, T replaced by C.
Protein change: p.Leu26Pro; replaces leucine 26 with proline.
Molecular consequence: missense variant.
Genome position (GRCh38, 1-based): chr12:64,759,200, A>G on the plus strand (T>C on the coding strand, the complement: GNS is on the minus strand). VCF-style: chr12-64759200-A-G. GRCh37 (hg19) VCF-style: chr12-65152980-A-G.
Other names: short protein forms L26P.
Identifiers: ClinVar variation 424251 (VCV000424251.6), dbSNP rs899951878, ClinGen allele CA16619580.
Genomic context (GRCh38, chr12:64,759,200, plus strand): 5'-CTCCGGGTTCCCGCAGCCACCCCGAAGACCCCCAGGCAGCCGCCCAGCACCAGCAGTAGC[A>G]GCGCTGGGCTGCAGGAGGGCAGGTGGCGGGGGCTGCCCCGCCGGAGCCGACCTGGGGCTA-3'
Protein context (NP_002067.1, residues 16-36): PRHLPSCSPA[Leu26Pro]LLLVLGGCLG